The following is an entry in ClinVar:

NM_001012339.3(DNAJC21):c.607G>T (p.Val203Phe)

Gene: DNAJC21 (DnaJ heat shock protein family (Hsp40) member C21; plus strand). Cytogenetic location: 5p13.2.
Variant type: single nucleotide variant.
Coding change: c.607G>T on transcript NM_001012339.3 (MANE Select); coding-DNA position 607, G replaced by T.
Protein change: p.Val203Phe; replaces valine 203 with phenylalanine.
Molecular consequence: missense variant.
Genome position (GRCh38, 1-based): chr5:34,937,494, G>T. VCF-style: chr5-34937494-G-T. GRCh37 (hg19) VCF-style: chr5-34937599-G-T.
Other names: c.607G>T, p.Val203Phe (NM_001348420.2, NM_194283.4); short protein forms V203F.
Identifiers: ClinVar variation 1511464 (VCV001511464.6), dbSNP rs372732488, ClinGen allele CA3228501.
Genomic context (GRCh38, chr5:34,937,494, plus strand): 5'-GCCATGGAAAAAGAAAACAAAAAGATTCGGGACAAAGCAAGGAAAGAGAAGAATGAGCTT[G>T]TCCGTCAGCTGGTAGCTTTCATTCGTAAAAGAGATAAAAGAGTGCAGGCGCATCGAAAAC-3'
Protein context (NP_001012339.2, residues 193-213): DKARKEKNEL[Val203Phe]RQLVAFIRKR

ClinVar aggregate classification (germline): Uncertain significance (1 of 4 stars; one submission).

Allele frequency attached by ClinVar (database versions not stated): ExAC 0.00001; gnomAD exomes 0.00001.
gnomAD v4.1: 7 of 1,614,158 alleles (0.00043%); highest among the groups gnomAD compares: Non-Finnish European, 0.00059%; no homozygotes.

Submission:

Labcorp Genetics (formerly Invitae), Labcorp
Classification: Uncertain significance. Last evaluated: 2022-07-12. Review status: criteria provided, single submitter. Criteria: Invitae Variant Classification Sherloc (09022015). Collection method: clinical testing. Allele origin: germline.
Comment: This variant has not been reported in the literature in individuals affected with DNAJC21-related conditions. ClinVar contains an entry for this variant (Variation ID: 1511464). Algorithms developed to predict the effect of missense changes on protein structure and function are either unavailable or do not agree on the potential impact of this missense change (SIFT: "Deleterious"; PolyPhen-2: "Probably Damaging"; Align-GVGD: "Class C0"). In summary, the available evidence is currently insufficient to determine the role of this variant in disease. Therefore, it has been classified as a Variant of Uncertain Significance. This sequence change replaces valine, which is neutral and non-polar, with phenylalanine, which is neutral and non-polar, at codon 203 of the DNAJC21 protein (p.Val203Phe). This variant is present in population databases (rs372732488, gnomAD 0.002%).